The following is an entry in ClinVar:

ClinVar aggregate classification (germline): Uncertain significance. Review status: criteria provided, multiple submitters, no conflicts (2 of 4 stars). 3 submissions from 3 submitters: Uncertain significance (3). Last evaluated 2026-06-16.

Conditions:
DCTN1-related disorder. Also called: DCTN1-related condition.
Amyotrophic lateral sclerosis type 1 (ALS1). Also called: AMYOTROPHIC LATERAL SCLEROSIS 1, FAMILIAL. Identifiers: Orphanet 803, MedGen C1862939, MONDO:0007103, OMIM 105400.
Neuronopathy, distal hereditary motor, type 7B. Also called: Distal Hereditary Motor Neuronopathy Type 7B (dHMN7B); LOWER MOTOR NEURON DISEASE, DYNACTIN TYPE; HMN VIIB; NEURONOPATHY, DISTAL HEREDITARY MOTOR, AUTOSOMAL DOMINANT 14; NEURONOPATHY, DISTAL HEREDITARY MOTOR, HARDING TYPE VIIB; NEUROPATHY, DISTAL HEREDITARY MOTOR, HARDING TYPE VIIB. Identifiers: Orphanet 139589, MedGen C1843315, MONDO:0011879, OMIM 607641.
Perry syndrome. Also called: PARKINSONISM WITH ALVEOLAR HYPOVENTILATION AND MENTAL DEPRESSION. Identifiers: Orphanet 178509, MedGen C1868594, MONDO:0008201, OMIM 168605.

Allele frequency attached by ClinVar (database versions not stated): gnomAD exomes below 0.00001; gnomAD 0.00001 and 0.00003; TOPMed 0.00002.
gnomAD v4.1: 24 of 1,590,842 alleles (0.0015%); highest among the groups gnomAD compares: South Asian, 0.0023%; no homozygotes.

Submissions (3):

PreventionGenetics, part of Exact Sciences
Classification: Uncertain significance for DCTN1-related condition. Last evaluated: 2026-06-16. Review status: criteria provided, single submitter. Criteria: ACMG Guidelines, 2015. Collection method: clinical testing. Allele origin: germline.
Comment: The DCTN1 c.557C>T variant is predicted to result in the amino acid substitution p.Pro186Leu. To our knowledge, this variant has not been reported in the literature. This variant is reported in 0.0046% of alleles in individuals of African descent in gnomAD. At this time, the clinical significance of this variant is uncertain due to the absence of conclusive functional and genetic evidence.

Labcorp Genetics (formerly Invitae), Labcorp
Classification: Uncertain significance for Amyotrophic lateral sclerosis type 1; Neuronopathy, distal hereditary motor, type 7B; Perry syndrome. Last evaluated: 2023-08-02. Review status: criteria provided, single submitter. Criteria: Invitae Variant Classification Sherloc (09022015). Collection method: clinical testing. Allele origin: germline.
Comment: In summary, the available evidence is currently insufficient to determine the role of this variant in disease. Therefore, it has been classified as a Variant of Uncertain Significance. Advanced modeling of protein sequence and biophysical properties (such as structural, functional, and spatial information, amino acid conservation, physicochemical variation, residue mobility, and thermodynamic stability) has been performed at Invitae for this missense variant, however the output from this modeling did not meet the statistical confidence thresholds required to predict the impact of this variant on DCTN1 protein function. ClinVar contains an entry for this variant (Variation ID: 391470). This variant has not been reported in the literature in individuals affected with DCTN1-related conditions. The frequency data for this variant in the population databases is considered unreliable, as metrics indicate poor data quality at this position in the gnomAD database. This sequence change replaces proline, which is neutral and non-polar, with leucine, which is neutral and non-polar, at codon 186 of the DCTN1 protein (p.Pro186Leu).

GeneDx
Classification: Uncertain significance. Last evaluated: 2016-12-22. Review status: criteria provided, single submitter. Criteria: GeneDx Variant Classification (06012015). Collection method: clinical testing. Allele origin: germline. Affected: yes.
Comment: The P186L variant in the DCTN1 gene has not been reported previously as a pathogenic variant, nor as a benign variant, to our knowledge. The P186L variant was not observed in approximately 6500 individuals of European and African American ancestry in the NHLBI Exome Sequencing Project, indicating it is not a common benign variant in these populations. The P186L variant is a semi-conservative amino acid substitution, which may impact secondary protein structure as these residues differ in some properties. This substitution occurs at a position that is conserved across species, and in silico analysis predicts this variant is probably damaging to the protein structure/function. We interpret P186L as a variant of uncertain significance

NM_004082.5(DCTN1):c.557C>T (p.Pro186Leu)

Gene: DCTN1 (dynactin subunit 1; minus strand). Cytogenetic location: 2p13.1.
Variant type: single nucleotide variant.
Coding change: c.557C>T on transcript NM_004082.5 (MANE Select); coding-DNA position 557, C replaced by T.
Protein change: p.Pro186Leu; replaces proline 186 with leucine.
Molecular consequence: missense variant. On other transcripts: non-coding transcript variant (1).
Genome position (GRCh38, 1-based): chr2:74,371,625, G>A on the plus strand (C>T on the coding strand, the complement: DCTN1 is on the minus strand). VCF-style: chr2-74371625-G-A. GRCh37 (hg19) VCF-style: chr2-74598752-G-A.
Other names: c.497C>T, p.Pro166Leu (NM_001135040.3); c.155C>T, p.Pro52Leu (NM_001135041.3, NM_023019.4); c.446C>T, p.Pro149Leu (NM_001190836.2); c.536C>T, p.Pro179Leu (NM_001190837.2); c.506C>T, p.Pro169Leu (NM_001378991.1); c.488C>T, p.Pro163Leu (NM_001378992.1); short protein forms P149L, P186L, P52L, P166L, P179L, P163L, P169L.
Identifiers: ClinVar variation 391470 (VCV000391470.11), dbSNP rs916359967, ClinGen allele CA16604705.